The following is an entry in ClinVar:

ClinVar aggregate classification (germline): Uncertain significance. Review status: criteria provided, multiple submitters, no conflicts (2 of 4 stars). 3 submissions from 3 submitters: Uncertain significance (3). Last evaluated 2025-08-20.

Conditions:
Familial adenomatous polyposis 3. Also called: NTHL1-related attenuated familial adenomatous polyposis; NTHL1-Related Adenomatous Polyposis and Colorectal Cancer; NTHL1-associated polyposis; NTHL1 Tumor Syndrome. Identifiers: Orphanet 220460, Orphanet 454840, MedGen C4225157, MONDO:0014630, OMIM 616415.
Hereditary cancer-predisposing syndrome. Also called: Neoplastic Syndromes, Hereditary; Hereditary neoplastic syndrome; Tumor predisposition; Hereditary Cancer Syndrome. Identifiers: Orphanet 140162, MedGen C0027672, MeSH D009386, MONDO:0015356.

Allele frequency attached by ClinVar (database versions not stated): gnomAD exomes below 0.00001; TOPMed below 0.00001.
gnomAD v4.1: 1 of 1,610,916 alleles (0.000062%); highest among the groups gnomAD compares: Non-Finnish European, 0.000085%; no homozygotes.

Submissions (3):

Labcorp Genetics (formerly Invitae), Labcorp
Classification: Uncertain significance. Last evaluated: 2025-08-20. Review status: criteria provided, single submitter. Criteria: Invitae Variant Classification Sherloc (09022015). Collection method: clinical testing. Allele origin: germline.
Comment: This sequence change replaces leucine, which is neutral and non-polar, with valine, which is neutral and non-polar, at codon 136 of the NTHL1 protein (p.Leu136Val). This variant is present in population databases (no rsID available, gnomAD 0.0009%). This variant has not been reported in the literature in individuals affected with NTHL1-related conditions. ClinVar contains an entry for this variant (Variation ID: 853491). An algorithm developed to predict the effect of missense changes on protein structure and function (PolyPhen-2) suggests that this variant is likely to be disruptive. RNA analysis performed to evaluate the impact of this missense change on mRNA splicing indicates it does not significantly alter splicing (internal data). In summary, the available evidence is currently insufficient to determine the role of this variant in disease. Therefore, it has been classified as a Variant of Uncertain Significance.

Ambry Genetics
Classification: Uncertain significance for Hereditary cancer-predisposing syndrome. Last evaluated: 2025-01-09. Review status: criteria provided, single submitter. Criteria: Ambry Variant Classification Scheme 2023. Collection method: clinical testing. Allele origin: germline.
Comment: The p.L136V variant (also known as c.406C>G), located in coding exon 3 of the NTHL1 gene, results from a C to G substitution at nucleotide position 406. The leucine at codon 136 is replaced by valine, an amino acid with highly similar properties. This amino acid position is highly conserved in available vertebrate species. In addition, the in silico prediction for this alteration is inconclusive. Based on the available evidence, the clinical significance of this variant remains unclear.

Baylor Genetics
Classification: Uncertain significance for Familial adenomatous polyposis 3. Last evaluated: 2023-10-16. Review status: criteria provided, single submitter. Criteria: ACMG Guidelines, 2015. Collection method: clinical testing. Allele origin: unknown.

NM_002528.7(NTHL1):c.382C>G (p.Leu128Val)

Gene: NTHL1 (nth like DNA glycosylase 1; minus strand). Cytogenetic location: 16p13.3.
Variant type: single nucleotide variant.
Coding change: c.382C>G on transcript NM_002528.7 (MANE Select); coding-DNA position 382, C replaced by G.
Protein change: p.Leu128Val; replaces leucine 128 with valine.
Molecular consequence: missense variant. On other transcripts: intron variant (1).
Genome position (GRCh38, 1-based): chr16:2,044,773, G>C on the plus strand (C>G on the coding strand, the complement: NTHL1 is on the minus strand). VCF-style: chr16-2044773-G-C. GRCh37 (hg19) VCF-style: chr16-2094774-G-C.
Other names: c.52C>G, p.Leu18Val (NM_001318194.2); c.355-1047C>G (NM_001318193.2); short protein forms L128V, L18V.
Identifiers: ClinVar variation 853491 (VCV000853491.12), dbSNP rs1433716256, ClinGen allele CA394294680.
Genomic context (GRCh38, chr16:2,044,773, plus strand): 5'-CCCGCAGTCGCTGCATGGCGCCCGCCGTCACCTGGTCTTTGGTTTGGCTGGAGAGCATCA[G>C]TGACAGCAGCACCTGGTACCTGCGTACCTGCTTGTGCAGTGACAGGGACCGGGGTGGCGG-3'
Protein context (NP_002519.2, residues 118-138): KVRRYQVLLS[Leu128Val]MLSSQTKDQV